The following is an entry in ClinVar:

ClinVar aggregate classification (germline): Pathogenic (1 of 4 stars; one submission).

Conditions:
Neurofibromatosis, type 1 (NF1). Also called: VON RECKLINGHAUSEN DISEASE; Neurofibromatosis, type I; Peripheral type neurofibromatosis; NEUROFIBROMATOSIS, TYPE I, SOMATIC. Identifiers: Orphanet 636, MedGen C0027831, MONDO:0018975, OMIM 162200. Disease mechanism: loss of function.

Submission:

Labcorp Genetics (formerly Invitae), Labcorp
Classification: Pathogenic for Neurofibromatosis, type 1. Last evaluated: 2023-10-26. Review status: criteria provided, single submitter. Criteria: Invitae Variant Classification Sherloc (09022015). Collection method: clinical testing. Allele origin: unknown.
Comment: This variant is a gross deletion of the genomic region encompassing exon(s) 36-56 of the NF1 gene. While this deletion is not anticipated to lead to nonsense mediated decay, it is expected to disrupt the C-terminus of the protein. A similar copy number variant has been observed in individual(s) with neurofibromatosis type 1 (PMID: 18196300, 26189818; Invitae). This variant is also known as deletion of exons 28-48 and a deletion of exons 37-57. The region of the NF1 gene that includes exon(s) 40-45 has been determined to be clinically significant (Invitae). Therefore, deletions that encompass that region are likely to be disease-causing. For these reasons, this variant has been classified as Pathogenic.

Literature cited by the submitters: PubMed 18196300; PubMed 26189818.

NC_000017.10:g.(?_29652828)_(29687731_?)del

Gene: NF1 (neurofibromin 1; plus strand). Cytogenetic location: 17q11.2.
Variant type: Deletion.
Identifiers: ClinVar variation 3242868 (VCV003242868.1).